The following is an entry in ClinVar:

ClinVar aggregate classification (germline): Uncertain significance. Review status: criteria provided, multiple submitters, no conflicts (2 of 4 stars). 3 submissions from 3 submitters: Uncertain significance (3). Last evaluated 2024-04-12.

Conditions:
Inborn genetic diseases. Identifiers: MedGen C0950123, MeSH D030342.
3 beta-Hydroxysteroid dehydrogenase deficiency. Also called: ADRENAL HYPERPLASIA, CONGENITAL, DUE TO 3-BETA-HYDROXYSTEROID DEHYDROGENASE 2 DEFICIENCY; Congenital adrenal hyperplasia due to 3-beta-hydroxysteroid dehydrogenase deficiency; 3-BETA-HSD DEFICIENCY; ADRENAL HYPERPLASIA II; 3b-hydroxysteroid dehydrogenase deficiency. Identifiers: Orphanet 90791, MedGen C0342471, MeSH C538236, MONDO:0008727, OMIM 201810. Disease mechanism: loss of function.

Allele frequency attached by ClinVar (database versions not stated): TOPMed below 0.00001; gnomAD 0.00001; gnomAD exomes 0.00002.
gnomAD v4.1: 24 of 1,614,040 alleles (0.0015%); highest among the groups gnomAD compares: Non-Finnish European, 0.0019%; no homozygotes.

Submissions (3):

Fulgent Genetics
Classification: Uncertain significance for 3 beta-Hydroxysteroid dehydrogenase deficiency. Last evaluated: 2024-04-12. Review status: criteria provided, single submitter. Criteria: ACMG Guidelines, 2015. Collection method: clinical testing. Allele origin: germline.

Labcorp Genetics (formerly Invitae), Labcorp
Classification: Uncertain significance. Last evaluated: 2023-08-10. Review status: criteria provided, single submitter. Criteria: Invitae Variant Classification Sherloc (09022015). Collection method: clinical testing. Allele origin: germline.
Comment: Advanced modeling of protein sequence and biophysical properties (such as structural, functional, and spatial information, amino acid conservation, physicochemical variation, residue mobility, and thermodynamic stability) performed at Invitae indicates that this missense variant is not expected to disrupt HSD3B2 protein function. In summary, the available evidence is currently insufficient to determine the role of this variant in disease. Therefore, it has been classified as a Variant of Uncertain Significance. ClinVar contains an entry for this variant (Variation ID: 2526859). This variant has not been reported in the literature in individuals affected with HSD3B2-related conditions. This variant is not present in population databases (gnomAD no frequency). This sequence change replaces serine, which is neutral and polar, with arginine, which is basic and polar, at codon 301 of the HSD3B2 protein (p.Ser301Arg).

Ambry Genetics
Classification: Uncertain significance for Inborn genetic diseases. Last evaluated: 2023-03-20. Review status: criteria provided, single submitter. Criteria: Ambry Variant Classification Scheme 2023. Collection method: clinical testing. Allele origin: germline.

NM_000198.4(HSD3B2):c.903C>A (p.Ser301Arg)

Gene: HSD3B2 (hydroxy-delta-5-steroid dehydrogenase, 3 beta- and steroid delta-isomerase 2; plus strand). Cytogenetic location: 1p12.
Variant type: single nucleotide variant.
Coding change: c.903C>A on transcript NM_000198.4 (MANE Select); coding-DNA position 903, C replaced by A.
Protein change: p.Ser301Arg; replaces serine 301 with arginine.
Molecular consequence: missense variant.
Genome position (GRCh38, 1-based): chr1:119,422,404, C>A. VCF-style: chr1-119422404-C-A. GRCh37 (hg19) VCF-style: chr1-119965027-C-A.
Other names: c.903C>A, p.Ser301Arg (NM_001166120.2); short protein forms S301R.
Identifiers: ClinVar variation 2526859 (VCV002526859.4), dbSNP rs1243159832, ClinGen allele CA341398807.
Genomic context (GRCh38, chr1:119,422,404, plus strand): 5'-CAGATGGAGCCTTCCTTTAACCCTGATGTACTGGATTGGCTTCCTGCTGGAAGTAGTGAG[C>A]TTCCTACTCAGCCCAATTTACTCCTATCAACCCCCCTTCAACCGCCACACAGTCACATTA-3'
Protein context (NP_000189.1, residues 291-311): YWIGFLLEVV[Ser301Arg]FLLSPIYSYQ